The following is an entry in ClinVar:

NM_012418.4(FSCN2):c.1396G>A (p.Gly466Ser)

Gene: FSCN2 (fascin actin-bundling protein 2, retinal; plus strand). Cytogenetic location: 17q25.3.
Variant type: single nucleotide variant.
Coding change: c.1396G>A on transcript NM_012418.4 (MANE Select); coding-DNA position 1396, G replaced by A.
Protein change: p.Gly466Ser; replaces glycine 466 with serine.
Molecular consequence: missense variant.
Genome position (GRCh38, 1-based): chr17:81,536,997, G>A. VCF-style: chr17-81536997-G-A. GRCh37 (hg19) VCF-style: chr17-79504023-G-A.
Other names: c.1468G>A (NM_001077182.2); c.1468G>A, p.Gly490Ser (NM_001077182.3); short protein forms G466S, G490S.
Identifiers: ClinVar variation 1422266 (VCV001422266.8), dbSNP rs769300218, ClinGen allele CA8837134.

ClinVar aggregate classification (germline): Uncertain significance. Review status: criteria provided, multiple submitters, no conflicts (2 of 4 stars). 3 submissions from 3 submitters: Uncertain significance (3). Last evaluated 2025-09-02.

Allele frequency attached by ClinVar (database versions not stated): gnomAD 0.00003; gnomAD exomes 0.00003 and 0.00009; ExAC 0.00005; TOPMed 0.00010; 1000 Genomes Project 30x 0.00016.
gnomAD v4.1: 42 of 1,521,398 alleles (0.0028%); highest among the groups gnomAD compares: Admixed American, 0.025%; 1 homozygote.

Submissions (3):

Labcorp Genetics (formerly Invitae), Labcorp
Classification: Uncertain significance. Last evaluated: 2025-09-02. Review status: criteria provided, single submitter. Criteria: Invitae Variant Classification Sherloc (09022015). Collection method: clinical testing. Allele origin: germline.
Comment: This sequence change replaces glycine, which is neutral and non-polar, with serine, which is neutral and polar, at codon 490 of the FSCN2 protein (p.Gly490Ser). This variant is present in population databases (rs769300218, gnomAD 0.02%). This variant has not been reported in the literature in individuals affected with FSCN2-related conditions. ClinVar contains an entry for this variant (Variation ID: 1422266). An algorithm developed to predict the effect of missense changes on protein structure and function (PolyPhen-2) suggests that this variant is likely to be disruptive. In summary, the available evidence is currently insufficient to determine the role of this variant in disease. Therefore, it has been classified as a Variant of Uncertain Significance.

Ambry Genetics
Classification: Uncertain significance. Last evaluated: 2025-03-03. Review status: criteria provided, single submitter. Criteria: Ambry Variant Classification Scheme 2023. Collection method: clinical testing. Allele origin: germline.

Breakthrough Genomics
Classification: Uncertain significance. Review status: criteria provided, single submitter. Criteria: ACMG Guidelines, 2015. Collection method: not provided. Allele origin: germline. Inheritance: Unknown mechanism. Affected: yes.